The following is an entry in ClinVar:

ClinVar aggregate classification (germline): Likely pathogenic. Review status: criteria provided, multiple submitters, no conflicts (2 of 4 stars). 2 submissions from 2 submitters: Likely pathogenic (2). Last evaluated 2021-04-08.

Submissions (2):

Athena Diagnostics
Classification: Likely pathogenic. Last evaluated: 2021-04-08. Review status: criteria provided, single submitter. Criteria: Athena Diagnostics Criteria. Collection method: clinical testing. Allele origin: unknown.
Comment: This variant has not been reported in large, multi-ethnic general populations. Computational tools predict that this variant is damaging.

GeneDx
Classification: Likely pathogenic. Last evaluated: 2017-10-26. Review status: criteria provided, single submitter. Criteria: GeneDx Variant Classification (06012015). Collection method: clinical testing. Allele origin: germline. Affected: yes.
Comment: The D233Y variant has not been published as a pathogenic variant, nor has it been reported as a benign variant to our knowledge. The D233Y variant is not observed in large population cohorts (Lek et al., 2016). This variant is a non-conservative amino acid substitution, which is likely to impact secondary protein structure as these residues differ in polarity, charge, size and/or other properties. This substitution occurs at a position that is conserved across species. Additionally, missense variants in nearby residues (N232S; N234S; P236R) have been reported in the Human Gene Mutation Database in association with PCDH19-related disorders (Stenson et al., 2014), supporting the functional importance of this region of the protein. In silico analysis predicts this variant is probably damaging to the protein structure/function. Furthermore, the majority of missense variants in this gene are considered pathogenic (Stenson et al., 2014).

NM_001184880.2(PCDH19):c.697G>T (p.Asp233Tyr)

Gene: PCDH19 (protocadherin 19; minus strand). Cytogenetic location: Xq22.1.
Variant type: single nucleotide variant.
Coding change: c.697G>T on transcript NM_001184880.2 (MANE Select); coding-DNA position 697, G replaced by T.
Protein change: p.Asp233Tyr; replaces aspartic acid 233 with tyrosine.
Molecular consequence: missense variant.
Genome position (GRCh38, 1-based): chrX:100,407,901, C>A on the plus strand (G>T on the coding strand, the complement: PCDH19 is on the minus strand). VCF-style: chrX-100407901-C-A. GRCh37 (hg19) VCF-style: chrX-99662899-C-A.
Other names: c.697G>T, p.Asp233Tyr (NM_001105243.2, NM_020766.3); short protein forms D233Y.
Identifiers: ClinVar variation 447920 (VCV000447920.5), dbSNP rs1555985482, ClinGen allele CA414008603.
Genomic context (GRCh38, chrX:100,407,901, plus strand): 5'-GAGGCGAGTTTTCTGGCACGCTCACCGCGTAGGTGGACTCGCTAAACACCGGGTTGTTGT[C>A]ATTGGAGTCGGTCACCTTGATACTAAGGCCAACGGTGCCCAGGCGCGGCGGGTCGCCACC-3'
Protein context (NP_001171809.1, residues 223-243): GLSIKVTDSN[Asp233Tyr]NNPVFSESTY